The following is an entry in ClinVar:

ClinVar aggregate classification (germline): Uncertain significance. Review status: criteria provided, multiple submitters, no conflicts (2 of 4 stars). 2 submissions from 2 submitters: Uncertain significance (2). Last evaluated 2025-07-21.

Conditions:
Hereditary cancer-predisposing syndrome. Also called: Tumor predisposition; Neoplastic Syndromes, Hereditary; Hereditary Cancer Syndrome; Hereditary neoplastic syndrome. Identifiers: Orphanet 140162, MedGen C0027672, MeSH D009386, MONDO:0015356.
Ataxia-telangiectasia syndrome (AT). Also called: Ataxia-telangiectasia; Ataxia-telangiectasia, complementation group D; AT, COMPLEMENTATION GROUP C; LOUIS-BAR SYNDROME; Cerebello-oculocutaneous telangiectasia; Immunodeficiency with ataxia telangiectasia. Identifiers: Orphanet 100, MedGen C0004135, MONDO:0008840, OMIM 208900.

Submissions (2):

Labcorp Genetics (formerly Invitae), Labcorp
Classification: Uncertain significance for Ataxia-telangiectasia syndrome. Last evaluated: 2025-07-21. Review status: criteria provided, single submitter. Criteria: Invitae Variant Classification Sherloc (09022015). Collection method: clinical testing. Allele origin: germline.
Comment: This sequence change replaces methionine, which is neutral and non-polar, with valine, which is neutral and non-polar, at codon 660 of the ATM protein (p.Met660Val). This variant is not present in population databases (gnomAD no frequency). This variant has not been reported in the literature in individuals affected with ATM-related conditions. ClinVar contains an entry for this variant (Variation ID: 489521). Invitae Evidence Modeling of protein sequence and biophysical properties (such as structural, functional, and spatial information, amino acid conservation, physicochemical variation, residue mobility, and thermodynamic stability) indicates that this missense variant is not expected to disrupt ATM protein function with a negative predictive value of 95%. In summary, the available evidence is currently insufficient to determine the role of this variant in disease. Therefore, it has been classified as a Variant of Uncertain Significance.

Color Diagnostics, LLC DBA Color Health
Classification: Uncertain significance for Hereditary cancer-predisposing syndrome. Last evaluated: 2023-12-05. Review status: criteria provided, single submitter. Criteria: ACMG Guidelines, 2015. Collection method: clinical testing. Allele origin: germline.
Comment: This missense variant replaces methionine with valine at codon 660 of the ATM protein. Computational prediction suggests that this variant may not impact protein structure and function (internally defined REVEL score threshold <= 0.5, PMID: 27666373). To our knowledge, functional studies have not been reported for this variant. This variant has not been reported in individuals affected with ATM-related disorders in the literature. This variant has not been identified in the general population by the Genome Aggregation Database (gnomAD). The available evidence is insufficient to determine the role of this variant in disease conclusively. Therefore, this variant is classified as a Variant of Uncertain Significance.

NM_000051.4(ATM):c.1978A>G (p.Met660Val)

Gene: ATM (ATM serine/threonine kinase; plus strand). Cytogenetic location: 11q22.3.
Variant type: single nucleotide variant.
Coding change: c.1978A>G on transcript NM_000051.4 (MANE Select); coding-DNA position 1978, A replaced by G.
Protein change: p.Met660Val; replaces methionine 660 with valine.
Molecular consequence: missense variant.
Genome position (GRCh38, 1-based): chr11:108,253,893, A>G. VCF-style: chr11-108253893-A-G. GRCh37 (hg19) VCF-style: chr11-108124620-A-G.
Other names: c.1978A>G, p.Met660Val (NM_001351834.2); short protein forms M660V.
Identifiers: ClinVar variation 489521 (VCV000489521.8), dbSNP rs1555073240, ClinGen allele CA382536861.
Genomic context (GRCh38, chr11:108,253,893, plus strand): 5'-AAAGAAGAACTTTCATTCTCAGAAGTAGAAGAACTATTTCTTCAGACAACTTTTGACAAG[A>G]TGGACTTTTTAACCATTGTGAGAGAATGTGGTATAGAAAAGCACCAGTCCAGTATTGGCT-3'
Protein context (NP_000042.3, residues 650-670): ELFLQTTFDK[Met660Val]DFLTIVRECG